The following is an entry in ClinVar:

ClinVar aggregate classification (germline): Likely benign (1 of 4 stars; one submission).

gnomAD v4.1: 2 of 1,124,919 alleles (0.00018%); highest among the groups gnomAD compares: Admixed American, 0.0027%; no homozygotes.

Submission:

Mayo Clinic Laboratories, Mayo Clinic
Classification: Likely benign. Last evaluated: 2024-12-03. Review status: criteria provided, single submitter. Criteria: ACMG Guidelines, 2015. Collection method: clinical testing. Allele origin: germline. Observed: 1 variant allele.
Comment: BP4, BP7, PM2_supporting

NM_000132.4(F8):c.-156C>T

Gene: F8 (coagulation factor VIII; minus strand). Cytogenetic location: Xq28.
Variant type: single nucleotide variant.
Coding change: c.-156C>T on transcript NM_000132.4 (MANE Select); 156 bases upstream of the start codon, C replaced by T.
Molecular consequence: 5 prime UTR variant.
Genome position (GRCh38, 1-based): chrX:155,022,708, G>A on the plus strand (C>T on the coding strand, the complement: F8 is on the minus strand). VCF-style: chrX-155022708-G-A. GRCh37 (hg19) VCF-style: chrX-154250983-G-A.
Other names: p.?.
Identifiers: ClinVar variation 4684551 (VCV004684551.1).